The following is an entry in ClinVar:

ClinVar aggregate classification (germline): Uncertain significance (1 of 4 stars; one submission).

Allele frequency attached by ClinVar (database versions not stated): gnomAD 0.00001; TOPMed 0.00001.
gnomAD v4.1: 7 of 1,613,368 alleles (0.00043%); highest among the groups gnomAD compares: Admixed American, 0.0017%; no homozygotes.

Submission:

Labcorp Genetics (formerly Invitae), Labcorp
Classification: Uncertain significance. Last evaluated: 2022-08-09. Review status: criteria provided, single submitter. Criteria: Invitae Variant Classification Sherloc (09022015). Collection method: clinical testing. Allele origin: germline.
Comment: In summary, the available evidence is currently insufficient to determine the role of this variant in disease. Therefore, it has been classified as a Variant of Uncertain Significance. Algorithms developed to predict the effect of missense changes on protein structure and function are either unavailable or do not agree on the potential impact of this missense change (SIFT: "Not Available"; PolyPhen-2: "Benign"; Align-GVGD: "Not Available"). This variant has not been reported in the literature in individuals affected with HYOU1-related conditions. This variant is present in population databases (no rsID available, gnomAD 0.003%). This sequence change replaces glutamine, which is neutral and polar, with histidine, which is basic and polar, at codon 137 of the HYOU1 protein (p.Gln137His).

NM_006389.5(HYOU1):c.411G>C (p.Gln137His)

Gene: HYOU1 (hypoxia up-regulated 1; minus strand). Cytogenetic location: 11q23.3.
Variant type: single nucleotide variant.
Coding change: c.411G>C on transcript NM_006389.5 (MANE Select); coding-DNA position 411, G replaced by C.
Protein change: p.Gln137His; replaces glutamine 137 with histidine.
Molecular consequence: missense variant.
Genome position (GRCh38, 1-based): chr11:119,055,193, C>G on the plus strand (G>C on the coding strand, the complement: HYOU1 is on the minus strand). VCF-style: chr11-119055193-C-G. GRCh37 (hg19) VCF-style: chr11-118925905-C-G.
Other names: c.411G>C, p.Gln137His (NM_001130991.3, NM_001411041.1); short protein forms Q137H.
Identifiers: ClinVar variation 1949363 (VCV001949363.5), dbSNP rs1033085085, ClinGen allele CA229648852.